The following is an entry in ClinVar:

NM_002439.5(MSH3):c.2814G>T (p.Arg938Ser)

Gene: MSH3 (mutS homolog 3; plus strand). Cytogenetic location: 5q14.1.
Variant type: single nucleotide variant.
Coding change: c.2814G>T on transcript NM_002439.5 (MANE Select); coding-DNA position 2814, G replaced by T.
Protein change: p.Arg938Ser; replaces arginine 938 with serine.
Molecular consequence: missense variant.
Genome position (GRCh38, 1-based): chr5:80,854,130, G>T. VCF-style: chr5-80854130-G-T. GRCh37 (hg19) VCF-style: chr5-80149949-G-T.
Other names: short protein forms R938S.
Identifiers: ClinVar variation 2882442 (VCV002882442.3), dbSNP rs762638626, ClinGen allele CA3328378.

ClinVar aggregate classification (germline): Uncertain significance (1 of 4 stars; one submission).

Allele frequency attached by ClinVar (database versions not stated): ExAC 0.00001; gnomAD exomes 0.00001.
gnomAD v4.1: 8 of 1,612,876 alleles (0.0005%); highest among the groups gnomAD compares: Non-Finnish European, 0.00068%; no homozygotes.

Submission:

Labcorp Genetics (formerly Invitae), Labcorp
Classification: Uncertain significance. Last evaluated: 2023-07-17. Review status: criteria provided, single submitter. Criteria: Invitae Variant Classification Sherloc (09022015). Collection method: clinical testing. Allele origin: germline.
Comment: In summary, the available evidence is currently insufficient to determine the role of this variant in disease. Therefore, it has been classified as a Variant of Uncertain Significance. An algorithm developed to predict the effect of missense changes on protein structure and function (PolyPhen-2) suggests that this variant is likely to be disruptive. This variant has not been reported in the literature in individuals affected with MSH3-related conditions. This variant is present in population databases (rs762638626, gnomAD 0.0009%). This sequence change replaces arginine, which is basic and polar, with serine, which is neutral and polar, at codon 938 of the MSH3 protein (p.Arg938Ser).